The following is an entry in ClinVar:

ClinVar aggregate classification (germline): Uncertain significance. Review status: criteria provided, multiple submitters, no conflicts (2 of 4 stars). 3 submissions from 3 submitters: Uncertain significance (3). Last evaluated 2025-06-04.

Conditions:
Hypogonadotropic hypogonadism 7 with or without anosmia (HH7). Also called: HYPOGONADOTROPIC HYPOGONADISM 7 WITHOUT ANOSMIA; GNRHR-Related GnRH Deficiency. Identifiers: Orphanet 432, MedGen C0342384, MONDO:0007794, OMIM 146110.

Allele frequency attached by ClinVar (database versions not stated): ExAC 0.00001; gnomAD exomes 0.00001; TOPMed 0.00001; gnomAD 0.00003.

Submissions (3):

Institute of Medical Genetics and Applied Genomics, University Hospital Tübingen
Classification: Uncertain significance for Hypogonadotropic hypogonadism 7 with or without anosmia. Last evaluated: 2025-06-04. Review status: criteria provided, single submitter. Criteria: ACMG Guidelines, 2015. Collection method: clinical testing. Allele origin: germline. Inheritance: Autosomal recessive inheritance. Affected: yes.

Labcorp Genetics (formerly Invitae), Labcorp
Classification: Uncertain significance. Last evaluated: 2024-10-29. Review status: criteria provided, single submitter. Criteria: Invitae Variant Classification Sherloc (09022015). Collection method: clinical testing. Allele origin: germline.
Comment: This sequence change affects the initiator methionine of the GNRHR mRNA. The next in-frame methionine is located at codon 24. This variant is present in population databases (rs768079550, gnomAD 0.005%). Disruption of the initiator codon has been observed in individual(s) with hypogonadotropic hypogonadism (PMID: 12568864, 22745237). ClinVar contains an entry for this variant (Variation ID: 2203548). Experimental studies and prediction algorithms are not available or were not evaluated, and the functional significance of this variant is currently unknown. In summary, the available evidence is currently insufficient to determine the role of this variant in disease. Therefore, it has been classified as a Variant of Uncertain Significance.

GeneDx
Classification: Uncertain significance. Last evaluated: 2024-10-25. Review status: criteria provided, single submitter. Criteria: GeneDx Variant Classification Process June 2021. Collection method: clinical testing. Allele origin: germline. Affected: yes.
Comment: Observed with a pathogenic variant (p.(R139H)) on the same allele (in cis) and with a pathogenic variant on the opposite allele (in trans) in unrelated affected individuals referred for genetic testing at GeneDx and in published literature (PMID: 22745237, 12568864); Initiation codon variant in a gene for which loss of function is a known mechanism of disease; This variant is associated with the following publications: (PMID: 12568864, 22745237)

Literature cited by the submitters: PubMed 12568864 (cited by Labcorp Genetics (formerly Invitae), Labcorp); PubMed 22745237 (cited by Labcorp Genetics (formerly Invitae), Labcorp).

NM_000406.3(GNRHR):c.2T>C (p.Met1Thr)

Gene: GNRHR (gonadotropin releasing hormone receptor; minus strand). Cytogenetic location: 4q13.2.
Variant type: single nucleotide variant.
Coding change: c.2T>C on transcript NM_000406.3 (MANE Select); coding-DNA position 2, T replaced by C.
Protein change: p.Met1Thr; changes the start codon (methionine 1).
Molecular consequence: missense variant, initiator codon variant.
Genome position (GRCh38, 1-based): chr4:67,754,334, A>G on the plus strand (T>C on the coding strand, the complement: GNRHR is on the minus strand). VCF-style: chr4-67754334-A-G. GRCh37 (hg19) VCF-style: chr4-68620052-A-G.
Other names: c.2T>C, p.Met1Thr (NM_001012763.2); c.2T>C (NM_000406.2); short protein forms M1T.
Identifiers: ClinVar variation 2203548 (VCV002203548.6), dbSNP rs768079550, ClinGen allele CA2939019.